The following is an entry in ClinVar:

NM_001388464.1(H2BW2):c.199C>T (p.Gln67Ter)

Gene: H2BW2 (H2B.W histone 2; plus strand). Cytogenetic location: Xq22.2.
Variant type: single nucleotide variant.
Coding change: c.199C>T on transcript NM_001388464.1 (MANE Select); coding-DNA position 199, C replaced by T.
Protein change: p.Gln67Ter; replaces glutamine 67 with a stop codon.
Molecular consequence: nonsense.
Genome position (GRCh38, 1-based): chrX:104,040,193, C>T. VCF-style: chrX-104040193-C-T. GRCh37 (hg19) VCF-style: chrX-103294760-C-T.
Other names: c.199C>T, p.Gln67Ter (NM_001164416.4); short protein forms Q67*.
Identifiers: ClinVar variation 1264833 (VCV001264833.3), dbSNP rs2301384, ClinGen allele CA10479410.
Genomic context (GRCh38, chrX:104,040,193, plus strand): 5'-GGGGACAGCTTCGGGGACAGCTTCACCCCCTATTTCCCCCGGGTGCTGAAGCAGGTTCAC[C>T]AGGGCCTCAGCCTTTCCCAGGAGGCCGTGAGTGTCATGGATTCTATGATCCATGACATAT-3'

ClinVar aggregate classification (germline): Benign. Review status: criteria provided, multiple submitters, no conflicts (2 of 4 stars). 2 submissions from 2 submitters: Benign (2). Last evaluated 2018-08-24.

Allele frequency attached by ClinVar (database versions not stated): TOPMed 0.29504; 1000 Genomes Project 30x 0.30406; gnomAD 0.30456 and 0.31181; 1000 Genomes Project 0.30649; ESP Exome Variant Server 0.31444; gnomAD exomes 0.36618 and 0.41402; ExAC 0.45071.

Submissions (2):

GeneDx
Classification: Benign. Last evaluated: 2018-08-24. Review status: criteria provided, single submitter. Criteria: GeneDx Variant Classification Process June 2021. Collection method: clinical testing. Allele origin: germline. Affected: yes.
Comment: This variant is associated with the following publications: (PMID: 30679340)

Breakthrough Genomics
Classification: Benign. Review status: criteria provided, single submitter. Criteria: ACMG Guidelines, 2015. Collection method: not provided. Allele origin: germline. Inheritance: Unknown mechanism. Affected: yes.